The following is an entry in ClinVar:

ClinVar aggregate classification (germline): Pathogenic (1 of 4 stars; one submission).

Submission:

GeneDx
Classification: Pathogenic. Last evaluated: 2016-10-18. Review status: criteria provided, single submitter. Criteria: GeneDx Variant Classification (06012015). Collection method: clinical testing. Allele origin: germline. Affected: yes.
Comment: The c.325_331dupGACGGCG pathogenic variant in the PAX9 gene has not been reported previously as a pathogenic variant, nor as a benign variant, to our knowledge. The c.325_331dupGACGGCG variant causes a frameshift starting with codon Valine 111, changes this amino acid to a Glycine residue, and creates a premature Stop codon at position 208 of the new reading frame, denoted p.Val111GlyfsX208. This variant is predicted to cause loss of normal protein function through protein truncation. The c.325_331dupGACGGCG variant was not observed in approximately 6,500 individuals of European and African American ancestry in the NHLBI Exome Sequencing Project, indicating it is not a common benign variant in these populations. We interpret c.325_331dupGACGGCG as a pathogenic variant.

NM_001372076.1(PAX9):c.325_331dup (p.Val111fs)

Gene: PAX9 (paired box 9; plus strand). Cytogenetic location: 14q13.3.
Variant type: Duplication.
Coding change: c.325_331dup on transcript NM_001372076.1 (MANE Select); coding-DNA positions 325 to 331, 7 bases duplicated (GACGGCG; older notation c.325_331dupGACGGCG).
Protein change: p.Val111fs; shifts the reading frame from valine 111.
Molecular consequence: frameshift variant.
Genome position (GRCh38, 1-based): chr14:36,663,217-36,663,223, GACGGCG duplicated; duplicating any 7 consecutive bases within chr14:36,663,213-36,663,223 gives the same sequence; the c. name uses the placement nearest the transcript's 3' end. VCF-style (leftmost placement, unchanged base first): chr14-36663212-T-TGGCGGAC. GRCh37 (hg19) VCF-style: chr14-37132417-T-TGGCGGAC.
Other names: c.325_331dupGACGGCG (NM_006194.3); c.325_331dup, p.Val111fs (NM_006194.4); short protein forms V111fs.
Identifiers: ClinVar variation 373036 (VCV000373036.2), dbSNP rs1057518159, ClinGen allele CA16042891.